The following is an entry in ClinVar:

NM_178857.6(RP1L1):c.170C>T (p.Ala57Val)

Gene: RP1L1 (RP1 like 1). Cytogenetic location: 8p23.1.
Variant type: single nucleotide variant.
Coding change: c.170C>T on transcript NM_178857.6 (MANE Select); coding-DNA position 170, C replaced by T.
Protein change: p.Ala57Val; replaces alanine 57 with valine.
Molecular consequence: missense variant.
Genome position (GRCh38, 1-based): chr8:10,623,032, G>A on the plus strand (C>T on the coding strand, the complement: RP1L1 is on the minus strand). VCF-style: chr8-10623032-G-A. GRCh37 (hg19) VCF-style: chr8-10480542-G-A.
Other names: short protein forms A57V.
Identifiers: ClinVar variation 1362322 (VCV001362322.8), dbSNP rs1798094991, ClinGen allele CA370300972.
Genomic context (GRCh38, chr8:10,623,032, plus strand): 5'-CCAAAGGAGAGAGGCACGCGCTGGGAGAGCTCGTCCATGAGGGCGCTGAAGGTCTTAAAG[G>A]CGCGCTGGTGAACGGCCAGGCGGACCCCAGCAAACCGTGGATCCCCTCGCTTGAGGAAGG-3'
Protein context (NP_849188.4, residues 47-67): AGVRLAVHQR[Ala57Val]FKTFSALMDE

ClinVar aggregate classification (germline): Uncertain significance (1 of 4 stars; one submission).

Allele frequency attached by ClinVar (database versions not stated): gnomAD exomes below 0.00001; TOPMed below 0.00001.
gnomAD v4.1: 1 of 1,614,142 alleles (0.000062%); highest among the groups gnomAD compares: Non-Finnish European, 0.000085%; no homozygotes.

Submission:

Labcorp Genetics (formerly Invitae), Labcorp
Classification: Uncertain significance. Last evaluated: 2021-06-19. Review status: criteria provided, single submitter. Criteria: Invitae Variant Classification Sherloc (09022015). Collection method: clinical testing. Allele origin: germline.
Comment: In summary, the available evidence is currently insufficient to determine the role of this variant in disease. Therefore, it has been classified as a Variant of Uncertain Significance. Advanced modeling of protein sequence and biophysical properties (such as structural, functional, and spatial information, amino acid conservation, physicochemical variation, residue mobility, and thermodynamic stability) performed at Invitae indicates that this missense variant is not expected to disrupt RP1L1 protein function. This variant has not been reported in the literature in individuals with RP1L1-related conditions. This variant is not present in population databases (ExAC no frequency). This sequence change replaces alanine with valine at codon 57 of the RP1L1 protein (p.Ala57Val). The alanine residue is weakly conserved and there is a small physicochemical difference between alanine and valine.